The following is an entry in ClinVar:

ClinVar aggregate classification (germline): Likely benign (0 of 4 stars; one submission).

Conditions:
BBS4-related disorder. Also called: BBS4-related condition.

gnomAD v4.1: 19 of 1,561,868 alleles (0.0012%); highest among the groups gnomAD compares: Non-Finnish European, 0.0016%; no homozygotes.

Submission:

PreventionGenetics, part of Exact Sciences
Classification: Likely benign for BBS4-related condition. Last evaluated: 2019-04-17. Review status: no assertion criteria provided. Collection method: clinical testing. Allele origin: germline.
Comment: This variant is classified as likely benign based on ACMG/AMP sequence variant interpretation guidelines (Richards et al. 2015 PMID: 25741868, with internal and published modifications).

NM_033028.5(BBS4):c.-8G>C

Gene: BBS4 (Bardet-Biedl syndrome 4; plus strand). Cytogenetic location: 15q24.1.
Variant type: single nucleotide variant.
Coding change: c.-8G>C on transcript NM_033028.5 (MANE Select); 8 bases upstream of the start codon, G replaced by C.
Molecular consequence: 5 prime UTR variant. On other transcripts: non-coding transcript variant (2).
Genome position (GRCh38, 1-based): chr15:72,686,220, G>C. VCF-style: chr15-72686220-G-C. GRCh37 (hg19) VCF-style: chr15-72978561-G-C.
Other names: c.-477G>C (NM_001252678.2); c.-8G>C (NM_001320665.2).
Identifiers: ClinVar variation 3355988 (VCV003355988.1).